The following is an entry in ClinVar:

ClinVar aggregate classification (germline): Uncertain significance. Review status: criteria provided, multiple submitters, no conflicts (2 of 4 stars). 2 submissions from 2 submitters: Uncertain significance (2). Last evaluated 2026-06-14.

Conditions:
Inborn genetic diseases. Identifiers: MedGen C0950123, MeSH D030342.

Submissions (2):

Ambry Genetics
Classification: Uncertain significance for Inborn genetic diseases. Last evaluated: 2026-06-14. Review status: criteria provided, single submitter. Criteria: Ambry Variant Classification Scheme 2023. Collection method: clinical testing. Allele origin: germline.
Comment: The p.G260A variant (also known as c.779G>C), located in coding exon 8 of the DDX41 gene, results from a G to C substitution at nucleotide position 779. The glycine at codon 260 is replaced by alanine, an amino acid with similar properties. This amino acid position is conserved. In addition, this alteration is predicted to be tolerated by in silico analysis. Based on the available evidence, the clinical significance of this variant remains unclear.

Labcorp Genetics (formerly Invitae), Labcorp
Classification: Uncertain significance. Last evaluated: 2025-09-22. Review status: criteria provided, single submitter. Criteria: Invitae Variant Classification Sherloc (09022015). Collection method: clinical testing. Allele origin: germline.
Comment: This sequence change replaces glycine, which is neutral and non-polar, with alanine, which is neutral and non-polar, at codon 260 of the DDX41 protein (p.Gly260Ala). This variant is not present in population databases (gnomAD no frequency). This variant has not been reported in the literature in individuals affected with DDX41-related conditions. An algorithm developed to predict the effect of missense changes on protein structure and function (PolyPhen-2) suggests that this variant is likely to be disruptive. In summary, the available evidence is currently insufficient to determine the role of this variant in disease. Therefore, it has been classified as a Variant of Uncertain Significance.

NM_016222.4(DDX41):c.779G>C (p.Gly260Ala)

Gene: DDX41 (DEAD-box helicase 41; minus strand). Cytogenetic location: 5q35.3.
Variant type: single nucleotide variant.
Coding change: c.779G>C on transcript NM_016222.4 (MANE Select); coding-DNA position 779, G replaced by C.
Protein change: p.Gly260Ala; replaces glycine 260 with alanine.
Molecular consequence: missense variant.
Genome position (GRCh38, 1-based): chr5:177,514,935, C>G on the plus strand (G>C on the coding strand, the complement: DDX41 is on the minus strand). VCF-style: chr5-177514935-C-G. GRCh37 (hg19) VCF-style: chr5-176941936-C-G.
Other names: c.779G>C (NM_016222.2); c.401G>C, p.Gly134Ala (NM_001321732.2, NM_001321830.2); short protein forms G134A, G260A.
Identifiers: ClinVar variation 4727658 (VCV004727658.2).